The following is an entry in ClinVar:

ClinVar aggregate classification (germline): Likely benign. Review status: criteria provided, single submitter (1 of 4 stars). 2 submissions from 2 submitters: Likely benign (1). 1 of the submissions does not count toward it. Last evaluated 2018-06-25.

Conditions:
SIM1-related disorder. Also called: SIM1-related disorders; SIM1-related condition.

Allele frequency attached by ClinVar (database versions not stated): gnomAD exomes below 0.00001 and 0.00001.
gnomAD v4.1: 8 of 1,611,754 alleles (0.0005%); highest among the groups gnomAD compares: Middle Eastern, 0.017%; no homozygotes.

Submissions (2):

Labcorp Genetics (formerly Invitae), Labcorp
Classification: Likely benign. Last evaluated: 2018-06-25. Review status: criteria provided, single submitter. Criteria: Invitae Variant Classification Sherloc (09022015). Collection method: clinical testing. Allele origin: germline.

PreventionGenetics, part of Exact Sciences
Classification: Likely benign for SIM1-related condition. Last evaluated: 2024-05-12. Review status: no assertion criteria provided. Collection method: clinical testing. Allele origin: germline. Not counted in ClinVar's aggregate classification.
Comment: This variant is classified as likely benign based on ACMG/AMP sequence variant interpretation guidelines (Richards et al. 2015 PMID: 25741868, with internal and published modifications).

NM_005068.3(SIM1):c.999-8C>T

Genes: SIM1 (SIM bHLH transcription factor 1; minus strand), SIM1-AS1 (SIM1 antisense RNA 1; plus strand). Cytogenetic location: 6q16.3.
Variant type: single nucleotide variant.
Coding change: c.999-8C>T on transcript NM_005068.3 (MANE Select); 8 bases into the intron before coding-DNA position 999, C replaced by T.
Molecular consequence: intron variant.
Genome position (GRCh38, 1-based): chr6:100,420,966, G>A on the plus strand (C>T on the coding strand, the complement: SIM1 is on the minus strand). VCF-style: chr6-100420966-G-A. GRCh37 (hg19) VCF-style: chr6-100868842-G-A.
Other names: c.999-8C>T (NM_001374769.1).
Identifiers: ClinVar variation 756125 (VCV000756125.4), dbSNP rs1306444430, ClinGen allele CA569517710.